The following is an entry in ClinVar:

ClinVar aggregate classification (germline): Pathogenic (1 of 4 stars; one submission).

Conditions:
LAMA2-related muscular dystrophy (LAMA2-RD). Also called: Laminin alpha 2-related dystrophy. Identifiers: MedGen C5679788, MONDO:0100228.

Submission:

Myriad Genetics, Inc.
Classification: Pathogenic for LAMA2-related muscular dystrophy. Last evaluated: 2023-10-12. Review status: criteria provided, single submitter. Criteria: Myriad Autosomal Dominant, Autosomal Recessive and X-Linked Classification Criteria (2023). Collection method: clinical testing. Allele origin: unknown.
Comment: NM_000426.3(LAMA2):c.1865delA(Q622Rfs*3) is expected to be pathogenic in the context of muscular dystrophy, LAMA2-related. This variant is predicted to lead to an abnormal or absent protein product due to the creation of a premature termination codon in LAMA2, a gene where loss-of-function variants are known to be pathogenic. Please note: this variant was assessed in the context of healthy population screening.

NM_000426.4(LAMA2):c.1865del (p.Gln622fs)

Gene: LAMA2 (laminin subunit alpha 2; plus strand). Cytogenetic location: 6q22.33.
Variant type: Deletion.
Coding change: c.1865del on transcript NM_000426.4 (MANE Select); coding-DNA position 1865, one base deleted (A; older notation c.1865delA).
Protein change: p.Gln622fs; shifts the reading frame from glutamine 622.
Molecular consequence: frameshift variant.
Genome position (GRCh38, 1-based): chr6:129,250,194, A deleted. VCF-style (leftmost placement, unchanged base first): chr6-129250193-CA-C. GRCh37 (hg19) VCF-style: chr6-129571338-CA-C.
Other names: c.1865del, p.Gln622fs (NM_001079823.2); short protein forms Q622fs.
Identifiers: ClinVar variation 5012383 (VCV005012383.1).